The following is an entry in ClinVar:

NM_001308093.3(GATA4):c.17C>T (p.Ala6Val)

Gene: GATA4 (GATA binding protein 4). Cytogenetic location: 8p23.1.
Variant type: single nucleotide variant.
Coding change: c.17C>T on transcript NM_001308093.3 (MANE Select); coding-DNA position 17, C replaced by T.
Protein change: p.Ala6Val; replaces alanine 6 with valine.
Molecular consequence: missense variant. On other transcripts: intron variant (3).
Genome position (GRCh38, 1-based): chr8:11,708,329, C>T. VCF-style: chr8-11708329-C-T. GRCh37 (hg19) VCF-style: chr8-11565838-C-T.
Other names: c.17C>T, p.Ala6Val (NM_002052.5); c.-6+7551C>T (NM_001308094.2); c.-3+315C>T (NM_001374274.1); c.-3+4025C>T (NM_001374273.1); short protein forms A6V.
Identifiers: ClinVar variation 3390558 (VCV003390558.2).

ClinVar aggregate classification (germline): Uncertain significance. Review status: criteria provided, multiple submitters, no conflicts (2 of 4 stars). 2 submissions from 2 submitters: Uncertain significance (2). Last evaluated 2025-11-09.

Conditions:
Atrioventricular septal defect 4 (AVSD4). Identifiers: MedGen C3280781, MONDO:0013747, OMIM 614430.

gnomAD v4.1: 25 of 1,584,528 alleles (0.0016%); highest among the groups gnomAD compares: East Asian, 0.054%; no homozygotes.

Submissions (2):

Labcorp Genetics (formerly Invitae), Labcorp
Classification: Uncertain significance for Atrioventricular septal defect 4. Last evaluated: 2025-11-09. Review status: criteria provided, single submitter. Criteria: Invitae Variant Classification Sherloc (09022015). Collection method: clinical testing. Allele origin: germline.
Comment: This sequence change replaces alanine, which is neutral and non-polar, with valine, which is neutral and non-polar, at codon 6 of the GATA4 protein (p.Ala6Val). The frequency data for this variant in the population databases is considered unreliable, as metrics indicate poor data quality at this position in the gnomAD database. This missense change has been observed in individual(s) with GATA4-related conditions (PMID: 18672102). ClinVar contains an entry for this variant (Variation ID: 3390558). Invitae Evidence Modeling of protein sequence and biophysical properties (such as structural, functional, and spatial information, amino acid conservation, physicochemical variation, residue mobility, and thermodynamic stability) has been performed for this missense variant. However, the output from this modeling did not meet the statistical confidence thresholds required to predict the impact of this variant on GATA4 protein function. In summary, the available evidence is currently insufficient to determine the role of this variant in disease. Therefore, it has been classified as a Variant of Uncertain Significance.

GeneDx
Classification: Uncertain significance. Last evaluated: 2024-06-11. Review status: criteria provided, single submitter. Criteria: GeneDx Variant Classification Process June 2021. Collection method: clinical testing. Allele origin: germline. Affected: yes.
Comment: Identified in at least one patient from a congenital heart disease cohort in a patient with VSD (PMID: 18672102, 21631294); Not observed at significant frequency in large population cohorts (gnomAD); In silico analysis indicates that this missense variant does not alter protein structure/function; This variant is associated with the following publications: (PMID: 35047139, 18672102, 21631294)

Literature cited by the submitters: PubMed 18672102 (cited by Labcorp Genetics (formerly Invitae), Labcorp).